The following is an entry in ClinVar:

ClinVar aggregate classification (germline): Uncertain significance. Review status: criteria provided, multiple submitters, no conflicts (2 of 4 stars). 2 submissions from 2 submitters: Uncertain significance (2). Last evaluated 2025-12-03.

Conditions:
Symmetrical dyschromatosis of extremities (DSH). Also called: Dyschromatosis symmetrica hereditaria; RETICULATE ACROPIGMENTATION OF DOHI; DYSCHROMATOSIS SYMMETRICA HEREDITARIA 1; SYMMETRIC DYSCHROMATOSIS OF THE EXTREMITIES. Identifiers: Orphanet 41, MedGen C0406775, MONDO:0007483, OMIM 127400.
Aicardi-Goutieres syndrome 6 (AGS6). Identifiers: Orphanet 51, MedGen C3539013, MONDO:0014007, OMIM 615010.

gnomAD v4.1: 4 of 1,614,236 alleles (0.00025%); highest among the groups gnomAD compares: Middle Eastern, 0.066%; no homozygotes.

Submissions (2):

Labcorp Genetics (formerly Invitae), Labcorp
Classification: Uncertain significance for Aicardi-Goutieres syndrome 6; Symmetrical dyschromatosis of extremities. Last evaluated: 2025-12-03. Review status: criteria provided, single submitter. Criteria: Invitae Variant Classification Sherloc (09022015). Collection method: clinical testing. Allele origin: germline.
Comment: This sequence change replaces histidine, which is basic and polar, with glutamine, which is neutral and polar, at codon 207 of the ADAR protein (p.His207Gln). This variant is not present in population databases (gnomAD no frequency). This variant has not been reported in the literature in individuals affected with ADAR-related conditions. ClinVar contains an entry for this variant (Variation ID: 2933529). An algorithm developed to predict the effect of missense changes on protein structure and function outputs the following: PolyPhen-2: "Benign". The glutamine amino acid residue is found in multiple mammalian species, which suggests that this missense change does not adversely affect protein function. In summary, the available evidence is currently insufficient to determine the role of this variant in disease. Therefore, it has been classified as a Variant of Uncertain Significance.

Blueprint Genetics
Classification: Uncertain significance. Last evaluated: 2020-07-07. Review status: criteria provided, single submitter. Criteria: ACMG Guidelines, 2015. Collection method: clinical testing. Allele origin: germline.

NM_001111.5(ADAR):c.621C>G (p.His207Gln)

Gene: ADAR (adenosine deaminase RNA specific; minus strand). Cytogenetic location: 1q21.3.
Variant type: single nucleotide variant.
Coding change: c.621C>G on transcript NM_001111.5 (MANE Select); coding-DNA position 621, C replaced by G.
Protein change: p.His207Gln; replaces histidine 207 with glutamine.
Molecular consequence: missense variant. On other transcripts: 5 prime UTR variant (6).
Genome position (GRCh38, 1-based): chr1:154,602,021, G>C on the plus strand (C>G on the coding strand, the complement: ADAR is on the minus strand). VCF-style: chr1-154602021-G-C. GRCh37 (hg19) VCF-style: chr1-154574497-G-C.
Other names: c.-265C>G (NM_001025107.3, NM_001193495.2, NM_001365046.1 and 3 more transcripts); c.648C>G, p.His216Gln (NM_001365045.1); c.621C>G, p.His207Gln (NM_015840.4, NM_015841.4); short protein forms H207Q, H216Q.
Identifiers: ClinVar variation 2933529 (VCV002933529.4), dbSNP rs748800084, ClinGen allele CA342600769.